The following is an entry in ClinVar:

ClinVar aggregate classification (germline): Uncertain significance. Review status: criteria provided, multiple submitters, no conflicts (2 of 4 stars). 3 submissions from 3 submitters: Uncertain significance (3). Last evaluated 2025-12-02.

Conditions:
Norman-Roberts syndrome (LIS2). Also called: Lissencephaly 2 (Norman-Roberts type). Identifiers: Orphanet 89844, MedGen C0796089, MONDO:0009760, OMIM 257320.
Familial temporal lobe epilepsy 7. Identifiers: Orphanet 101046, MedGen C4225327, MONDO:0014639, OMIM 616436.
Intellectual disability. Also called: intellectual disabilities; Intellectual developmental disorder; Intellectual functioning disability. Identifiers: MedGen C3714756, MeSH D008607, MONDO:0001071, HP:0001249.

Allele frequency attached by ClinVar (database versions not stated): gnomAD exomes below 0.00001; TOPMed below 0.00001.
gnomAD v4.1: 5 of 1,613,908 alleles (0.00031%); highest among the groups gnomAD compares: East Asian, 0.0022%; no homozygotes.

Submissions (3):

Women's Health and Genetics/Laboratory Corporation of America, LabCorp
Classification: Uncertain significance. Last evaluated: 2025-12-02. Review status: criteria provided, single submitter. Criteria: LabCorp Variant Classification Summary - May 2015. Collection method: clinical testing. Allele origin: germline.
Comment: Variant summary: RELN c.10306A>G (p.Met3436Val) results in a conservative amino acid change in the encoded protein sequence. Algorithms developed to predict the effect of missense changes on protein structure and function are either unavailable or do not agree on the potential impact of this missense change. The variant allele was found at a frequency of 4e-06 in 251222 control chromosomes. The available data on variant occurrences in the general population are insufficient to allow any conclusion about variant significance. To our knowledge, no occurrence of c.10306A>G in individuals affected with RELN-related conditions and no experimental evidence demonstrating its impact on protein function have been reported. ClinVar contains an entry for this variant (Variation ID: 981443). Based on the evidence outlined above, the variant was classified as uncertain significance.

Labcorp Genetics (formerly Invitae), Labcorp
Classification: Uncertain significance for Familial temporal lobe epilepsy 7; Norman-Roberts syndrome. Last evaluated: 2023-09-10. Review status: criteria provided, single submitter. Criteria: Invitae Variant Classification Sherloc (09022015). Collection method: clinical testing. Allele origin: germline.
Comment: In summary, the available evidence is currently insufficient to determine the role of this variant in disease. Therefore, it has been classified as a Variant of Uncertain Significance. Advanced modeling of protein sequence and biophysical properties (such as structural, functional, and spatial information, amino acid conservation, physicochemical variation, residue mobility, and thermodynamic stability) performed at Invitae indicates that this missense variant is not expected to disrupt RELN protein function. ClinVar contains an entry for this variant (Variation ID: 981443). This variant has not been reported in the literature in individuals affected with RELN-related conditions. This variant is present in population databases (no rsID available, gnomAD 0.006%). This sequence change replaces methionine, which is neutral and non-polar, with valine, which is neutral and non-polar, at codon 3436 of the RELN protein (p.Met3436Val).

Diagnostic Laboratory, Strasbourg University Hospital
Classification: Uncertain significance for Intellectual disability. Last evaluated: 2020-09-10. Review status: criteria provided, single submitter. Criteria: ACMG Guidelines, 2015. Collection method: clinical testing. Allele origin: unknown. Affected: yes. Observed: 1 heterozygote.

NM_005045.4(RELN):c.10306A>G (p.Met3436Val)

Genes: RELN (reelin; minus strand), SLC26A5-AS1 (SLC26A5 antisense RNA 1; plus strand). Cytogenetic location: 7q22.1.
Variant type: single nucleotide variant.
Coding change: c.10306A>G on transcript NM_005045.4 (MANE Select); coding-DNA position 10306, A replaced by G.
Protein change: p.Met3436Val; replaces methionine 3436 with valine.
Molecular consequence: missense variant.
Genome position (GRCh38, 1-based): chr7:103,472,889, T>C on the plus strand (A>G on the coding strand, the complement: RELN is on the minus strand). VCF-style: chr7-103472889-T-C. GRCh37 (hg19) VCF-style: chr7-103113336-T-C.
Other names: c.10300A>G, p.Met3434Val (NM_173054.3); short protein forms M3434V, M3436V.
Identifiers: ClinVar variation 981443 (VCV000981443.5), dbSNP rs1257276738, ClinGen allele CA368755975.